The following is an entry in ClinVar:

NM_001201427.2(DAAM2):c.515G>A (p.Arg172His)

Gene: DAAM2 (dishevelled associated activator of morphogenesis 2; plus strand). Cytogenetic location: 6p21.2.
Variant type: single nucleotide variant.
Coding change: c.515G>A on transcript NM_001201427.2 (MANE Select); coding-DNA position 515, G replaced by A.
Protein change: p.Arg172His; replaces arginine 172 with histidine.
Molecular consequence: missense variant.
Genome position (GRCh38, 1-based): chr6:39,867,596, G>A. VCF-style: chr6-39867596-G-A. GRCh37 (hg19) VCF-style: chr6-39835372-G-A.
Other names: c.515G>A, p.Arg172His (NM_015345.4); short protein forms R172H.
Identifiers: ClinVar variation 3039245 (VCV003039245.2), dbSNP rs200589550, ClinGen allele CA3794749.
Genomic context (GRCh38, chr6:39,867,596, plus strand): 5'-AGGGCTTGACCTGTCTGCTAAATTTCCTCCGGAGCATGGACCACGCCACCTGTGAGAGCC[G>A]CATCCACACCTCACTCATTGGCTGCATCAAAGCATTGATGAACAACTCCCAGGGGCGGGC-3'
Protein context (NP_001188356.1, residues 162-182): RSMDHATCES[Arg172His]IHTSLIGCIK

ClinVar aggregate classification (germline): Benign (0 of 4 stars; one submission).

Conditions:
DAAM2-related disorder. Also called: DAAM2-related condition.

Allele frequency attached by ClinVar (database versions not stated): 1000 Genomes Project 0.00100; 1000 Genomes Project 30x 0.00156; ESP Exome Variant Server 0.00165; ExAC 0.00185; gnomAD 0.00192; TOPMed 0.00241; gnomAD exomes 0.00310.
gnomAD v4.1: 4,856 of 1,613,992 alleles (0.3%); highest among the groups gnomAD compares: Non-Finnish European, 0.35%; 18 homozygotes.

Submission:

PreventionGenetics, part of Exact Sciences
Classification: Benign for DAAM2-related condition. Last evaluated: 2019-07-30. Review status: no assertion criteria provided. Collection method: clinical testing. Allele origin: germline.
Comment: This variant is classified as benign based on ACMG/AMP sequence variant interpretation guidelines (Richards et al. 2015 PMID: 25741868, with internal and published modifications).